The following is an entry in ClinVar:

NM_001170629.2(CHD8):c.68A>C (p.Asp23Ala)

Gene: CHD8 (chromodomain helicase DNA binding protein 8; minus strand). Cytogenetic location: 14q11.2.
Variant type: single nucleotide variant.
Coding change: c.68A>C on transcript NM_001170629.2 (MANE Select); coding-DNA position 68, A replaced by C.
Protein change: p.Asp23Ala; replaces aspartic acid 23 with alanine.
Molecular consequence: missense variant. On other transcripts: intron variant (1).
Genome position (GRCh38, 1-based): chr14:21,431,576, T>G on the plus strand (A>C on the coding strand, the complement: CHD8 is on the minus strand). VCF-style: chr14-21431576-T-G. GRCh37 (hg19) VCF-style: chr14-21899735-T-G.
Other names: c.6+235A>C (NM_020920.4); short protein forms D23A.
Identifiers: ClinVar variation 3236416 (VCV003236416.2), dbSNP rs1889565932, ClinGen allele CA388891286.
Genomic context (GRCh38, chr14:21,431,576, plus strand): 5'-AGAGAGCTTGGCAGTCCAAGGGCTTCCTCAATGGGGTCTTGTGTGACCTGGTTAAAGCTG[T>G]CATCAGTCAGAGAGTCCAGGCCAAATAAATTTGGGTCATCGAACAGATCCATGATGGGGT-3'
Protein context (NP_001164100.1, residues 13-33): NLFGLDSLTD[Asp23Ala]SFNQVTQDPI

ClinVar aggregate classification (germline): Uncertain significance (1 of 4 stars; one submission).

Conditions:
Intellectual developmental disorder with autism and macrocephaly. Also called: Autism, susceptibility to, 18; CHD8-Related Neurodevelopmental Disorder with Overgrowth. Identifiers: Orphanet 642675, MedGen C3554373, MONDO:0014017, OMIM 615032.

Submission:

Neuberg Centre For Genomic Medicine, NCGM
Classification: Uncertain significance for Intellectual developmental disorder with autism and macrocephaly. Review status: criteria provided, single submitter. Criteria: ACMG Guidelines, 2015. Collection method: clinical testing. Allele origin: germline. Inheritance: Autosomal dominant inheritance. Affected: yes.
Comment: The missense variant c.68A>Cp.Asp23Ala in CHD8 gene has not been reported previously as a pathogenic variant nor as a benign variant, to our knowledge. The p.Asp23Ala variant is novel not in any individuals in gnomAD Exomes and 1000 Genomes. This variant has not been reported to the ClinVar database. The amino acid change p.Asp23Ala in CHD8 is predicted as conserved by GERP++ and PhyloP across 100 vertebrates. The amino acid Asp at position 23 is changed to a Ala changing protein sequence and it might alter its composition and physico-chemical properties. For these reasons, this variant has been classified as Uncertain Significance VUS.